The following is an entry in ClinVar:

ClinVar aggregate classification (germline): Likely benign (1 of 4 stars; one submission).

gnomAD v4.1: 2,552 of 1,612,622 alleles (0.16%); highest among the groups gnomAD compares: Non-Finnish European, 0.19%; 4 homozygotes.

Submission:

CeGaT Center for Human Genetics Tuebingen
Classification: Likely benign. Last evaluated: 2026-07-01. Review status: criteria provided, single submitter. Criteria: CeGaT Center For Human Genetics Tuebingen Variant Classification Criteria Version 2. Collection method: clinical testing. Allele origin: germline. Affected: yes. Observed: 1 variant allele.
Comment: STX19: BP4

NM_001001850.3(STX19):c.70T>G (p.Ser24Ala)

Genes: ARL13B (ARF like GTPase 13B; plus strand), STX19 (syntaxin 19; minus strand). Cytogenetic location: 3q11.2.
Variant type: single nucleotide variant.
Coding change: c.70T>G on transcript NM_001001850.3 (MANE Select); coding-DNA position 70, T replaced by G.
Protein change: p.Ser24Ala; replaces serine 24 with alanine.
Molecular consequence: missense variant. On other transcripts: intron variant (7).
Genome position (GRCh38, 1-based): chr3:94,015,200, A>C on the plus strand (T>G on the coding strand, the complement: STX19 is on the minus strand). VCF-style: chr3-94015200-A-C. GRCh37 (hg19) VCF-style: chr3-93734044-A-C.
Other names: c.335+11292A>C (NM_001321328.2); c.380+11292A>C (NM_001174150.2, NM_182896.3, NM_001410782.1); c.71+11292A>C (NM_001174151.2); c.60-20131A>C (NM_144996.4, NM_001437443.1); short protein forms S24A.
Identifiers: ClinVar variation 5038775 (VCV005038775.1).